The following is an entry in ClinVar:

ClinVar aggregate classification (germline): Uncertain significance. Review status: criteria provided, multiple submitters, no conflicts (2 of 4 stars). 4 submissions from 4 submitters: Uncertain significance (4). Last evaluated 2025-11-19.

Conditions:
Hereditary nonpolyposis colorectal neoplasms. Identifiers: MedGen C0009405, MeSH D003123.
Hereditary cancer-predisposing syndrome. Also called: Hereditary Cancer Syndrome; Neoplastic Syndromes, Hereditary; Tumor predisposition; Hereditary neoplastic syndrome. Identifiers: Orphanet 140162, MedGen C0027672, MeSH D009386, MONDO:0015356.

Submissions (4):

Color Diagnostics, LLC DBA Color Health
Classification: Uncertain significance for Hereditary cancer-predisposing syndrome. Last evaluated: 2025-11-19. Review status: criteria provided, single submitter. Criteria: ACMG Guidelines, 2015. Collection method: clinical testing. Allele origin: germline.
Comment: This missense variant replaces asparagine with aspartic acid at codon 735 of the PMS2 protein. Computational prediction suggests that this variant may not impact protein structure and function. To our knowledge, functional studies have not been reported for this variant. This variant has not been reported in individuals affected with PMS2-related disorders in the literature. This variant has not been identified in the general population by the Genome Aggregation Database (gnomAD). The available evidence is insufficient to determine the role of this variant in disease conclusively. Therefore, this variant is classified as a Variant of Uncertain Significance.

Labcorp Genetics (formerly Invitae), Labcorp
Classification: Uncertain significance for Hereditary nonpolyposis colorectal neoplasms. Last evaluated: 2025-07-27. Review status: criteria provided, single submitter. Criteria: Invitae Variant Classification Sherloc (09022015). Collection method: clinical testing. Allele origin: germline.
Comment: This sequence change replaces asparagine, which is neutral and polar, with aspartic acid, which is acidic and polar, at codon 735 of the PMS2 protein (p.Asn735Asp). The frequency data for this variant in the population databases (gnomAD) is considered unreliable due to the presence of homologous sequence, such as pseudogenes or paralogs, in the genome. This variant has not been reported in the literature in individuals affected with PMS2-related conditions. ClinVar contains an entry for this variant (Variation ID: 480340). Invitae Evidence Modeling incorporating data from in vitro experimental studies (internal data) indicates that this missense variant is not expected to disrupt PMS2 function with a negative predictive value of 95%. In summary, the available evidence is currently insufficient to determine the role of this variant in disease. Therefore, it has been classified as a Variant of Uncertain Significance.

Ambry Genetics
Classification: Uncertain significance for Hereditary cancer-predisposing syndrome. Last evaluated: 2023-09-21. Review status: criteria provided, single submitter. Criteria: Ambry Variant Classification Scheme 2023. Collection method: clinical testing. Allele origin: germline.
Comment: The p.N735D variant (also known as c.2203A>G), located in coding exon 13 of the PMS2 gene, results from an A to G substitution at nucleotide position 2203. The asparagine at codon 735 is replaced by aspartic acid, an amino acid with highly similar properties. This amino acid position is well conserved in available vertebrate species. In addition, this alteration is predicted to be tolerated by in silico analysis. Since supporting evidence is limited at this time, the clinical significance of this alteration remains unclear.

GeneDx
Classification: Uncertain significance. Last evaluated: 2022-09-07. Review status: criteria provided, single submitter. Criteria: GeneDx Variant Classification Process June 2021. Collection method: clinical testing. Allele origin: germline. Affected: yes.
Comment: Not observed at significant frequency in large population cohorts (gnomAD); In silico analysis supports that this missense variant has a deleterious effect on protein structure/function; Has not been previously published as pathogenic or benign to our knowledge; This variant is associated with the following publications: (PMID: Fukui2011[Chapter])

NM_000535.7(PMS2):c.2203A>G (p.Asn735Asp)

Gene: PMS2 (PMS1 homolog 2, mismatch repair system component; minus strand). Cytogenetic location: 7p22.1.
Variant type: single nucleotide variant.
Coding change: c.2203A>G on transcript NM_000535.7 (MANE Select); coding-DNA position 2203, A replaced by G.
Protein change: p.Asn735Asp; replaces asparagine 735 with aspartic acid.
Molecular consequence: missense variant. On other transcripts: non-coding transcript variant (1).
Genome position (GRCh38, 1-based): chr7:5,978,668, T>C on the plus strand (A>G on the coding strand, the complement: PMS2 is on the minus strand). VCF-style: chr7-5978668-T-C. GRCh37 (hg19) VCF-style: chr7-6018299-T-C.
Other names: c.1798A>G, p.Asn600Asp (NM_001322003.2, NM_001322004.2, NM_001322005.2 and 1 more transcripts); c.2047A>G, p.Asn683Asp (NM_001322006.2); c.1885A>G, p.Asn629Asp (NM_001322007.2, NM_001322008.2); c.1642A>G, p.Asn548Asp (NM_001322010.2); c.1270A>G, p.Asn424Asp (NM_001322011.2, NM_001322012.2); c.1630A>G, p.Asn544Asp (NM_001322013.2); c.2203A>G, p.Asn735Asp (NM_001322014.2); c.1894A>G, p.Asn632Asp (NM_001322015.2); short protein forms N735D, N548D, N632D, N683D, N629D, N424D, N544D, N600D.
Identifiers: ClinVar variation 480340 (VCV000480340.14), dbSNP rs1554294476, ClinGen allele CA366736839.